The following is an entry in ClinVar:

NM_000492.4(CFTR):c.2555A>T (p.Tyr852Phe)

Gene: CFTR (CF transmembrane conductance regulator; plus strand). Cytogenetic location: 7q31.2.
Variant type: single nucleotide variant.
Coding change: c.2555A>T on transcript NM_000492.4 (MANE Select); coding-DNA position 2555, A replaced by T.
Protein change: p.Tyr852Phe; replaces tyrosine 852 with phenylalanine.
Molecular consequence: missense variant.
Genome position (GRCh38, 1-based): chr7:117,594,994, A>T. VCF-style: chr7-117594994-A-T. GRCh37 (hg19) VCF-style: chr7-117235048-A-T.
Other names: short protein forms Y852F.
Identifiers: ClinVar variation 4001825 (VCV004001825.1).

ClinVar aggregate classification (germline): Uncertain significance (1 of 4 stars; one submission).

Conditions:
Cystic fibrosis (CF). Also called: MUCOVISCIDOSIS. Identifiers: Orphanet 586, MedGen C0010674, MONDO:0009061, OMIM 219700. Disease mechanism: loss of function.

Submission:

Ambry Genetics
Classification: Uncertain significance for Cystic fibrosis. Last evaluated: 2025-03-28. Review status: criteria provided, single submitter. Criteria: Ambry Variant Classification Scheme 2023. Collection method: clinical testing. Allele origin: germline.
Comment: The p.Y852F variant (also known as c.2555A>T), located in coding exon 15 of the CFTR gene, results from an A to T substitution at nucleotide position 2555. The tyrosine at codon 852 is replaced by phenylalanine, an amino acid with highly similar properties. This amino acid position is highly conserved in available vertebrate species. In addition, this alteration is predicted to be deleterious by in silico analysis. Based on the available evidence, the clinical significance of this variant remains unclear.